The following is an entry in ClinVar:

NM_016203.4(PRKAG2):c.1275G>A (p.Leu425=)

Gene: PRKAG2 (protein kinase AMP-activated non-catalytic subunit gamma 2; minus strand). Cytogenetic location: 7q36.1.
Variant type: single nucleotide variant.
Coding change: c.1275G>A on transcript NM_016203.4 (MANE Select); coding-DNA position 1275, G replaced by A.
Protein change: p.Leu425=; no amino-acid change (leucine 425 retained).
Molecular consequence: synonymous variant.
Genome position (GRCh38, 1-based): chr7:151,565,844, C>T on the plus strand (G>A on the coding strand, the complement: PRKAG2 is on the minus strand). VCF-style: chr7-151565844-C-T. GRCh37 (hg19) VCF-style: chr7-151262930-C-T.
Other names: c.1143G>A, p.Leu381= (NM_001040633.2, NM_001407024.1); c.900G>A, p.Leu300= (NM_001304527.2, NM_001407029.1); c.552G>A, p.Leu184= (NM_001304531.2, NM_001407034.1, NM_001407035.1 and 1 more transcripts); c.903G>A, p.Leu301= (NM_001363698.2, NM_001407028.1); c.1275G>A, p.Leu425= (NM_001407021.1); c.1272G>A, p.Leu424= (NM_001407022.1, NM_001407023.1); c.1140G>A, p.Leu380= (NM_001407026.1, NM_001407027.1); c.987G>A, p.Leu329= (NM_001407030.1); and 6 more.
Identifiers: ClinVar variation 3070566 (VCV003070566.1), dbSNP rs1424063328, ClinGen allele CA458666799.

ClinVar aggregate classification (germline): Likely benign (1 of 4 stars; one submission).

Conditions:
Hypertrophic cardiomyopathy. Also called: HYPERTROPHIC MYOCARDIOPATHY. Identifiers: Orphanet 217569, MedGen C0007194, MeSH D002312, MONDO:0005045, HP:0001639.

Allele frequency attached by ClinVar (database versions not stated): TOPMed below 0.00001; gnomAD 0.00001.
gnomAD v4.1: 1 of 1,613,578 alleles (0.000062%); highest among the groups gnomAD compares: Non-Finnish European, 0.000085%; no homozygotes.

Submission:

All of Us Research Program, National Institutes of Health
Classification: Likely benign for Hypertrophic cardiomyopathy. Last evaluated: 2023-04-28. Review status: criteria provided, single submitter. Criteria: ACMG Guidelines, 2015. Collection method: clinical testing. Allele origin: germline. Inheritance: Autosomal dominant inheritance. Observed: 1 variant allele, 1 heterozygote.
Comment: This study involves interpretation of variants in research participants for the purpose of population health screening. Participant phenotype was not available at the time of variant classification. Additional details can be found in publication PMID: 35346344, PMCID: PMC8962531